The following is an entry in ClinVar:

NM_004385.5(VCAN):c.5402A>G (p.Asn1801Ser)

Genes: VCAN (versican; plus strand), VCAN-AS1 (VCAN antisense RNA 1; minus strand). Cytogenetic location: 5q14.3.
Variant type: single nucleotide variant.
Coding change: c.5402A>G on transcript NM_004385.5 (MANE Select); coding-DNA position 5402, A replaced by G.
Protein change: p.Asn1801Ser; replaces asparagine 1801 with serine.
Molecular consequence: missense variant. On other transcripts: intron variant (2).
Genome position (GRCh38, 1-based): chr5:83,538,405, A>G. VCF-style: chr5-83538405-A-G. GRCh37 (hg19) VCF-style: chr5-82834224-A-G.
Other names: c.2441A>G, p.Asn814Ser (NM_001164097.2); c.4004-7132A>G (NM_001164098.2); c.1043-7132A>G (NM_001126336.3); short protein forms N1801S, N814S.
Identifiers: ClinVar variation 3648271 (VCV003648271.2).

ClinVar aggregate classification (germline): Uncertain significance (1 of 4 stars; one submission).

Submission:

Labcorp Genetics (formerly Invitae), Labcorp
Classification: Uncertain significance. Last evaluated: 2024-03-31. Review status: criteria provided, single submitter. Criteria: Invitae Variant Classification Sherloc (09022015). Collection method: clinical testing. Allele origin: germline.
Comment: This sequence change replaces asparagine, which is neutral and polar, with serine, which is neutral and polar, at codon 1801 of the VCAN protein (p.Asn1801Ser). This variant is not present in population databases (gnomAD no frequency). This variant has not been reported in the literature in individuals affected with VCAN-related conditions. Algorithms developed to predict the effect of missense changes on protein structure and function output the following: SIFT: "Not Available"; PolyPhen-2: "Benign"; Align-GVGD: "Not Available". The serine amino acid residue is found in multiple mammalian species, which suggests that this missense change does not adversely affect protein function. In summary, the available evidence is currently insufficient to determine the role of this variant in disease. Therefore, it has been classified as a Variant of Uncertain Significance.